The following is an entry in ClinVar:

ClinVar aggregate classification (germline): Likely pathogenic (1 of 4 stars; one submission).

Conditions:
Agammaglobulinaemia with absent BTK expression.

Submission:

Genetics Laboratory, Great Ormond Street Hospital NHS Foundation Trust, North Thames Genomic Laboratory Hub
Classification: Likely pathogenic for Agammaglobulinaemia with absent BTK expression. Last evaluated: 2025-12-23. Review status: criteria provided, single submitter. Criteria: ACGS Best Practice Guidelines for Variant Classification in Rare Disease 2024 v1.2. Collection method: clinical testing. Allele origin: germline. Affected: yes.
Comment: PM2_moderate, PVS1_strong

NM_000061.3(BTK):c.1881T>A (p.Tyr627Ter)

Gene: BTK (Bruton tyrosine kinase; minus strand). Cytogenetic location: Xq22.1.
Variant type: single nucleotide variant.
Coding change: c.1881T>A on transcript NM_000061.3 (MANE Select); coding-DNA position 1881, T replaced by A.
Protein change: p.Tyr627Ter; replaces tyrosine 627 with a stop codon.
Molecular consequence: nonsense.
Genome position (GRCh38, 1-based): chrX:101,353,221, A>T on the plus strand (T>A on the coding strand, the complement: BTK is on the minus strand). VCF-style: chrX-101353221-A-T. GRCh37 (hg19) VCF-style: chrX-100608209-A-T.
Other names: c.1983T>A, p.Tyr661Ter (NM_001287344.2); c.1353T>A, p.Tyr451Ter (NM_001287345.2); short protein forms Y451*, Y627*, Y661*.
Identifiers: ClinVar variation 4796635 (VCV004796635.1).